The following is an entry in ClinVar:

ClinVar aggregate classification (germline): Uncertain significance (1 of 4 stars; one submission).

Conditions:
Dyskeratosis congenita, autosomal dominant 2. Identifiers: MedGen C3151443, MONDO:0013521, OMIM 613989.
Idiopathic Pulmonary Fibrosis. Also called: Idiopathic fibrosing alveolitis, chronic form; idiopathic fibrosing alveolitis. Identifiers: Orphanet 2032, MedGen C1800706, MeSH D054990, MONDO:0800504.

Submission:

Labcorp Genetics (formerly Invitae), Labcorp
Classification: Uncertain significance for Dyskeratosis congenita, autosomal dominant 2; Idiopathic Pulmonary Fibrosis. Last evaluated: 2025-11-25. Review status: criteria provided, single submitter. Criteria: Invitae Variant Classification Sherloc (09022015). Collection method: clinical testing. Allele origin: germline.
Comment: This variant, c.2243_2266dup, results in the insertion of 8 amino acid(s) of the TERT protein (p.Gln748_Val755dup), but otherwise preserves the integrity of the reading frame. This variant is not present in population databases (gnomAD no frequency). This variant has been observed in individual(s) with idiopathic pulmonary fibrosis (internal data). ClinVar contains an entry for this variant (Variation ID: 2427708). Experimental studies and prediction algorithms are not available or were not evaluated, and the functional significance of this variant is currently unknown. In summary, the available evidence is currently insufficient to determine the role of this variant in disease. Therefore, it has been classified as a Variant of Uncertain Significance.

NM_198253.3(TERT):c.2243_2266dup (p.Val755_Arg756insGlnLysAlaAlaHisGlyHisVal)

Gene: TERT (telomerase reverse transcriptase; minus strand). Cytogenetic location: 5p15.33.
Variant type: Duplication.
Coding change: c.2243_2266dup on transcript NM_198253.3 (MANE Select); coding-DNA positions 2243 to 2266, 24 bases duplicated (AGAAGGCCGCCCATGGGCACGTCC).
Protein change: p.Val755_Arg756insGlnLysAlaAlaHisGlyHisVal.
Molecular consequence: inframe insertion. On other transcripts: inframe indel (1), non-coding transcript variant (2).
Genome position (GRCh38, 1-based): chr5:1,278,661-1,278,684, GGACGTGCCCATGGGCGGCCTTCT duplicated on the plus strand (AGAAGGCCGCCCATGGGCACGTCC on the coding strand, the reverse complement: TERT is on the minus strand); duplicating any 24 consecutive bases within chr5:1,278,661-1,278,688 gives the same sequence; the c. name uses the placement nearest the transcript's 3' end. VCF-style (leftmost placement, unchanged base first): chr5-1278660-C-CGGACGTGCCCATGGGCGGCCTTCT. GRCh37 (hg19) VCF-style: chr5-1278775-C-CGGACGTGCCCATGGGCGGCCTTCT.
Other names: c.2243_2266dup, p.Val755_Arg756insGlnLysAlaAlaHisGlyHisVal (NM_001193376.3); c.2239_2262dup, p.Val755_Arg756insGlnLysAlaAlaHisGlyHisVal (NM_003219.1).
Identifiers: ClinVar variation 2427708 (VCV002427708.7), dbSNP rs2478267658, ClinGen allele CA2580071935.